The following is an entry in ClinVar:

NM_000202.8(IDS):c.248del (p.Val83fs)

Gene: IDS (iduronate 2-sulfatase; minus strand). Cytogenetic location: Xq28.
Variant type: Deletion.
Coding change: c.248del on transcript NM_000202.8 (MANE Select); coding-DNA position 248, one base deleted (T; older notation c.248delT).
Protein change: p.Val83fs; shifts the reading frame from valine 83.
Molecular consequence: frameshift variant. On other transcripts: non-coding transcript variant (1), intron variant (1).
Genome position (GRCh38, 1-based): chrX:149,503,482, A deleted on the plus strand (T on the coding strand, the reverse complement: IDS is on the minus strand). VCF-style (leftmost placement, unchanged base first): chrX-149503481-CA-C. GRCh37 (hg19) VCF-style: chrX-148585011-CA-C.
Other names: c.248del, p.Val83fs (NM_006123.5); c.15-37del (NM_001166550.4); short protein forms V83fs.
Identifiers: ClinVar variation 988670 (VCV000988670.3), dbSNP rs2089497718, ClinGen allele CA2465010902.

ClinVar aggregate classification (germline): Pathogenic. Review status: criteria provided, single submitter (1 of 4 stars). 2 submissions from 2 submitters: Pathogenic (1). 1 of the submissions does not count toward it. Last evaluated 2024-06-07.

Conditions:
Mucopolysaccharidosis, MPS-II (MPS2). Also called: IDS deficiency; Sulfoiduronate sulfatase deficiency; SIDS deficiency; Mucopolysaccharidosis type 2; Mucopolysaccharidosis Type II; Attenuated MPS (subtype; formerly known as mild MPS II). Identifiers: Orphanet 580, Orphanet 79388, MedGen C0026705, MONDO:0010674, OMIM 309900.

Submissions (2):

Laboratory of Diagnosis and Therapy of Lysosomal Disorders, University of Padova
Classification: Pathogenic for Mucopolysaccharidosis, MPS-II. Last evaluated: 2024-06-07. Review status: criteria provided, single submitter. Criteria: ACMG Guidelines, 2015. Collection method: literature only. Allele origin: germline. Affected: yes. Observed: 1 variant allele.
Comment: Null variant (PVS1_VeryStrong), Absent from controls (or at low frequency) in gnomAD database (PM2_Moderate), Patient’s phenotype or family history highly specific for the disease (PP4_Strong)

Classification method: ACMG Guidelines [PMID:25741868] with modifications

Laboratory of Inherited Metabolic Diseases, Research centre for medical genetics
Classification: Pathogenic for Mucopolysaccharidosis, type II; MPS2. Review status: no assertion criteria provided. Collection method: research. Allele origin: germline. Affected: yes. Not counted in ClinVar's aggregate classification.

Literature cited by the submitters: PubMed 33676511 (cited by Laboratory of Diagnosis and Therapy of Lysosomal Disorders, University of Padova).